The following is an entry in ClinVar:

NM_003002.4(SDHD):c.315-4T>G

Gene: SDHD (succinate dehydrogenase complex subunit D; plus strand). Cytogenetic location: 11q23.1.
Variant type: single nucleotide variant.
Coding change: c.315-4T>G on transcript NM_003002.4 (MANE Select); 4 bases into the intron before coding-DNA position 315, T replaced by G.
Molecular consequence: intron variant.
Genome position (GRCh38, 1-based): chr11:112,094,801, T>G. VCF-style: chr11-112094801-T-G. GRCh37 (hg19) VCF-style: chr11-111965525-T-G.
Other names: c.*13-4T>G (NM_001276506.2); c.170-4T>G (NM_001276503.2); c.198-4T>G (NM_001276504.2); c.315-4T>G (NM_003002.2, NM_003002.3).
Identifiers: ClinVar variation 1579792 (VCV001579792.10), dbSNP rs944726340, ClinGen allele CA228555593.

ClinVar aggregate classification (germline): Likely benign. Review status: criteria provided, multiple submitters, no conflicts (2 of 4 stars). 3 submissions from 3 submitters: Likely benign (2). 1 of the submissions does not count toward it. Last evaluated 2025-01-23.

Conditions:
SDHD-related disorder. Also called: SDHD-related condition.
Cowden syndrome 3 (CWS3). Identifiers: Orphanet 201, MedGen CN166604, MONDO:0014045.
Carney-Stratakis syndrome. Also called: PARAGANGLIOMA AND GASTROINTESTINAL STROMAL TUMOR. Identifiers: Orphanet 97286, MedGen C1847319, MONDO:0011740, OMIM 606864.
Pheochromocytoma. Also called: MAX-Related Hereditary Paraganglioma-Pheochromocytoma Syndrome. Identifiers: Orphanet 29072, MedGen C0031511, MONDO:0008233, OMIM 171300, HP:0002666.
Paragangliomas with sensorineural hearing loss. Identifiers: MedGen C1868633.
Hereditary cancer-predisposing syndrome. Also called: Tumor predisposition; Neoplastic Syndromes, Hereditary; Hereditary Cancer Syndrome; Hereditary neoplastic syndrome. Identifiers: Orphanet 140162, MedGen C0027672, MeSH D009386, MONDO:0015356.

Allele frequency attached by ClinVar (database versions not stated): gnomAD exomes below 0.00001.

Submissions (3):

Labcorp Genetics (formerly Invitae), Labcorp
Classification: Likely benign for Carney-Stratakis syndrome; Paragangliomas with sensorineural hearing loss; Pheochromocytoma; Cowden syndrome 3. Last evaluated: 2025-01-23. Review status: criteria provided, single submitter. Criteria: Invitae Variant Classification Sherloc (09022015). Collection method: clinical testing. Allele origin: germline.

Ambry Genetics
Classification: Likely benign for Hereditary cancer-predisposing syndrome. Last evaluated: 2024-10-02. Review status: criteria provided, single submitter. Criteria: Ambry Variant Classification Scheme 2023. Collection method: clinical testing. Allele origin: germline.

PreventionGenetics, part of Exact Sciences
Classification: Uncertain significance for SDHD-related condition. Last evaluated: 2024-06-21. Review status: no assertion criteria provided. Collection method: clinical testing. Allele origin: germline. Not counted in ClinVar's aggregate classification.
Comment: The SDHD c.315-4T>G variant is predicted to interfere with splicing. To our knowledge, this variant has not been reported in the literature. This variant is reported in 0.00089% of alleles in individuals of European (Non-Finnish) descent in gnomAD and is interpreted as likely benign in ClinVar. At this time, the clinical significance of this variant is uncertain due to the absence of conclusive functional and genetic evidence.